The following is an entry in ClinVar:

NM_001001674.2(OR4F15):c.62G>A (p.Arg21Gln)

Gene: OR4F15 (olfactory receptor family 4 subfamily F member 15; plus strand). Cytogenetic location: 15q26.3.
Variant type: single nucleotide variant.
Coding change: c.62G>A on transcript NM_001001674.2 (MANE Select); coding-DNA position 62, G replaced by A.
Protein change: p.Arg21Gln; replaces arginine 21 with glutamine.
Molecular consequence: missense variant.
Genome position (GRCh38, 1-based): chr15:101,818,248, G>A. VCF-style: chr15-101818248-G-A. GRCh37 (hg19) VCF-style: chr15-102358451-G-A.
Other names: short protein forms R21Q.
Identifiers: ClinVar variation 2645760 (VCV002645760.24), dbSNP rs142759394, ClinGen allele CA7766503.
Genomic context (GRCh38, chr15:101,818,248, plus strand): 5'-TGAATGGAATGAATCACTCTGTGGTATCAGAATTTGTATTCATGGGACTCACCAACTCAC[G>A]GGAGATTCAGCTTCTACTTTTTGTTTTCTCTTTGTTGTTCTACTTTGCGAGCATGATGGG-3'
Protein context (NP_001001674.1, residues 11-31): EFVFMGLTNS[Arg21Gln]EIQLLLFVFS

ClinVar aggregate classification (germline): Likely benign (1 of 4 stars; one submission).

Allele frequency attached by ClinVar (database versions not stated): 1000 Genomes Project 30x 0.00219; 1000 Genomes Project 0.00220; gnomAD 0.00327; ESP Exome Variant Server 0.00377; TOPMed 0.00430.
gnomAD v4.1: 6,382 of 1,613,838 alleles (0.4%); highest among the groups gnomAD compares: Middle Eastern, 2.9%; 29 homozygotes.

Submission:

CeGaT Center for Human Genetics Tuebingen
Classification: Likely benign. Last evaluated: 2023-02-01. Review status: criteria provided, single submitter. Criteria: CeGaT Center For Human Genetics Tuebingen Variant Classification Criteria Version 2. Collection method: clinical testing. Allele origin: germline. Affected: yes. Observed: 1 variant allele.
Comment: OR4F15: BP4, BS2